The following is an entry in ClinVar:

NM_000264.5(PTCH1):c.3520C>T (p.Leu1174Phe)

Gene: PTCH1 (patched 1; minus strand). Cytogenetic location: 9q22.32.
Variant type: single nucleotide variant.
Coding change: c.3520C>T on transcript NM_000264.5 (MANE Select); coding-DNA position 3520, C replaced by T.
Protein change: p.Leu1174Phe; replaces leucine 1174 with phenylalanine.
Molecular consequence: missense variant. On other transcripts: non-coding transcript variant (1).
Genome position (GRCh38, 1-based): chr9:95,449,870, G>A on the plus strand (C>T on the coding strand, the complement: PTCH1 is on the minus strand). VCF-style: chr9-95449870-G-A. GRCh37 (hg19) VCF-style: chr9-98212152-G-A.
Other names: c.3067C>T, p.Leu1023Phe (NM_001083606.3, NM_001083607.3, NM_001083604.3 and 1 more transcripts); c.3364C>T, p.Leu1122Phe (NM_001354918.2); c.3322C>T, p.Leu1108Phe (NM_001083602.3); c.3517C>T, p.Leu1173Phe (NM_001083603.3); short protein forms L1023F, L1108F, L1122F, L1173F, L1174F.
Identifiers: ClinVar variation 3784653 (VCV003784653.2).
Genomic context (GRCh38, chr9:95,449,870, plus strand): 5'-ACACGTGGGACATCCCCGTGTCACTACTGACCTCAGGATATGGTCCAAAGAAAGACAAAA[G>A]CACGGGAAGCAAAACCAGCCCATTGAGAACGCCGAGGATGGTGAGGATCGCCAGCACAGC-3'
Protein context (NP_000255.2, residues 1164-1184): VLNGLVLLPV[Leu1174Phe]LSFFGPYPEV

ClinVar aggregate classification (germline): Uncertain significance (1 of 4 stars; one submission).

Conditions:
Hereditary cancer-predisposing syndrome. Also called: Hereditary Cancer Syndrome; Hereditary neoplastic syndrome; Neoplastic Syndromes, Hereditary; Tumor predisposition. Identifiers: Orphanet 140162, MedGen C0027672, MeSH D009386, MONDO:0015356.

Submission:

Ambry Genetics
Classification: Uncertain significance for Hereditary cancer-predisposing syndrome. Last evaluated: 2026-08-24. Review status: criteria provided, single submitter. Criteria: Ambry Variant Classification Scheme 2023. Collection method: clinical testing. Allele origin: germline.
Comment: The p.L1174F variant (also known as c.3520C>T), located in coding exon 21 of the PTCH1 gene, results from a C to T substitution at nucleotide position 3520. The leucine at codon 1174 is replaced by phenylalanine, an amino acid with highly similar properties. This amino acid position is highly conserved in available vertebrate species. In addition, this alteration is predicted to be deleterious by in silico analysis. Based on the available evidence, the clinical significance of this variant remains unclear.